The following is an entry in ClinVar:

NM_024665.7(TBL1XR1):c.1400_1402dup (p.His467_Ile468insAsn)

Gene: TBL1XR1 (TBL1X/Y related 1; minus strand). Cytogenetic location: 3q26.32.
Variant type: Duplication.
Coding change: c.1400_1402dup on transcript NM_024665.7 (MANE Select); coding-DNA positions 1400 to 1402, 3 bases duplicated (ACA; older notation c.1400_1402dupACA).
Protein change: p.His467_Ile468insAsn.
Molecular consequence: inframe insertion.
Genome position (GRCh38, 1-based): chr3:177,032,985-177,032,987, TGT duplicated on the plus strand (ACA on the coding strand, the reverse complement: TBL1XR1 is on the minus strand). VCF-style (leftmost placement, unchanged base first): chr3-177032984-A-ATGT. GRCh37 (hg19) VCF-style: chr3-176750772-A-ATGT.
Other names: c.1400_1402dup, p.His467_Ile468insAsn (NM_001321193.3, NM_001321194.3, NM_001374327.1 and 2 more transcripts); c.1139_1141dup, p.His380_Ile381insAsn (NM_001321195.3, NM_001374330.1).
Identifiers: ClinVar variation 419630 (VCV000419630.2), dbSNP rs1553808267, ClinGen allele CA16617841.

ClinVar aggregate classification (germline): Likely pathogenic (1 of 4 stars; one submission).

Submission:

GeneDx
Classification: Likely pathogenic. Last evaluated: 2017-03-06. Review status: criteria provided, single submitter. Criteria: GeneDx Variant Classification (06012015). Collection method: clinical testing. Allele origin: germline. Affected: yes.
Comment: The c.1400_1402dupACA variant in the TBL1XR1 gene has not been reported previously as a pathogenic variant, nor as a benign variant, to our knowledge. The c.1400_1402dupACA variant causes an in-frame insertion of one Asparagine residue, denoted p.His467_Ile468insAsn. This insertion occurs at a region that is conserved across species. The c.1400_1402dupACA variant is not observed in large population cohorts (Lek et al., 2016; 1000 Genomes Consortium et al., 2015; Exome Variant Server). We interpret c.1400_1402dupACA as a likely pathogenic variant.